The following is an entry in ClinVar:

ClinVar aggregate classification (germline): Likely pathogenic (1 of 4 stars; one submission).

Conditions:
Familial cancer of breast. Also called: hereditary breast carcinoma; Hereditary breast cancer; BREAST CANCER, FAMILIAL. Identifiers: Orphanet 227535, MedGen C0346153, MONDO:0016419, OMIM 114480. Disease mechanism: loss of function.

Submission:

Labcorp Genetics (formerly Invitae), Labcorp
Classification: Likely pathogenic for Familial cancer of breast. Last evaluated: 2022-01-14. Review status: criteria provided, single submitter. Criteria: Invitae Variant Classification Sherloc (09022015). Collection method: clinical testing. Allele origin: germline.
Comment: In summary, the currently available evidence indicates that the variant is pathogenic, but additional data are needed to prove that conclusively. Therefore, this variant has been classified as Likely Pathogenic. This sequence change creates a premature translational stop signal (p.Ser704Valfs*10) in the BARD1 gene. While this is not anticipated to result in nonsense mediated decay, it is expected to disrupt the last 74 amino acid(s) of the BARD1 protein. This variant is not present in population databases (gnomAD no frequency). This variant has not been reported in the literature in individuals affected with BARD1-related conditions. This variant disrupts the C-terminal BRCT domain of BARD1 protein, which is required for chromosome stability and homology-directed repair (PMID: 17848578). A different variant (p.Val767fs) that lies downstream of this variant has been reported to affect BARD1 protein function (PMID: 30925164), this suggests that disruption of this region of the protein is causative of disease.

Literature cited by the submitters: PubMed 17848578; PubMed 30925164.

NM_000465.4(BARD1):c.2109del (p.Ser704fs)

Gene: BARD1 (BRCA1 associated RING domain 1; minus strand). Cytogenetic location: 2q35.
Variant type: Deletion.
Coding change: c.2109del on transcript NM_000465.4 (MANE Select); coding-DNA position 2109, one base deleted (C; older notation c.2109delC).
Protein change: p.Ser704fs; shifts the reading frame from serine 704.
Molecular consequence: frameshift variant. On other transcripts: non-coding transcript variant (3).
Genome position (GRCh38, 1-based): chr2:214,728,901, G deleted on the plus strand (C on the coding strand, the reverse complement: BARD1 is on the minus strand). VCF-style (leftmost placement, unchanged base first): chr2-214728900-TG-T. GRCh37 (hg19) VCF-style: chr2-215593624-TG-T.
Other names: c.2052del, p.Ser685fs (NM_001282543.2); c.756del, p.Ser253fs (NM_001282545.2); c.699del, p.Ser234fs (NM_001282548.2); c.570del, p.Ser191fs (NM_001282549.2); short protein forms S253fs, S234fs, S685fs, S191fs, S704fs.
Identifiers: ClinVar variation 1506906 (VCV001506906.7), dbSNP rs2105987421, ClinGen allele CA2573135116.